The following is an entry in ClinVar:

ClinVar aggregate classification (germline): Uncertain significance. Review status: criteria provided, multiple submitters, no conflicts (2 of 4 stars). 2 submissions from 2 submitters: Uncertain significance (2). Last evaluated 2024-04-02.

Conditions:
Cardiovascular phenotype. Identifiers: MedGen CN230736.

Allele frequency attached by ClinVar (database versions not stated): gnomAD 0.00003; TOPMed 0.00002.

Submissions (2):

Labcorp Genetics (formerly Invitae), Labcorp
Classification: Uncertain significance. Last evaluated: 2024-04-02. Review status: criteria provided, single submitter. Criteria: Invitae Variant Classification Sherloc (09022015). Collection method: clinical testing. Allele origin: germline.
Comment: This sequence change replaces cysteine, which is neutral and slightly polar, with serine, which is neutral and polar, at codon 140 of the ALPK3 protein (p.Cys140Ser). This variant is present in population databases (rs776949207, gnomAD 0.005%). This variant has not been reported in the literature in individuals affected with ALPK3-related conditions. ClinVar contains an entry for this variant (Variation ID: 1738621). An algorithm developed to predict the effect of missense changes on protein structure and function (PolyPhen-2) suggests that this variant is likely to be tolerated. In summary, the available evidence is currently insufficient to determine the role of this variant in disease. Therefore, it has been classified as a Variant of Uncertain Significance.

Ambry Genetics
Classification: Uncertain significance for Cardiovascular phenotype. Last evaluated: 2022-05-20. Review status: criteria provided, single submitter. Criteria: Ambry Variant Classification Scheme 2023. Collection method: clinical testing. Allele origin: germline.
Comment: The p.C140S variant (also known as c.419G>C), located in coding exon 1 of the ALPK3 gene, results from a G to C substitution at nucleotide position 419. The cysteine at codon 140 is replaced by serine, an amino acid with dissimilar properties. This amino acid position is conserved. In addition, this alteration is predicted to be tolerated by in silico analysis. Since supporting evidence is limited at this time, the clinical significance of this alteration remains unclear.

NC_000015.10:g.84817265G>C

Gene: ALPK3 (alpha kinase 3; plus strand). Cytogenetic location: 15q25.3.
Variant type: single nucleotide variant.
Genome position: GRCh38 VCF-style: chr15-84817265-G-C. GRCh37 (hg19) VCF-style: chr15-85360496-G-C.
Other names: short protein forms C140S.
Identifiers: ClinVar variation 1738621 (VCV001738621.7), dbSNP rs776949207, ClinGen allele CA7708837.